The following is an entry in ClinVar:

NM_002691.4(POLD1):c.2450G>T (p.Arg817Leu)

Gene: POLD1 (DNA polymerase delta 1, catalytic subunit; plus strand). Cytogenetic location: 19q13.33.
Variant type: single nucleotide variant.
Coding change: c.2450G>T on transcript NM_002691.4 (MANE Select); coding-DNA position 2450, G replaced by T.
Protein change: p.Arg817Leu; replaces arginine 817 with leucine.
Molecular consequence: missense variant. On other transcripts: non-coding transcript variant (1).
Genome position (GRCh38, 1-based): chr19:50,414,876, G>T. VCF-style: chr19-50414876-G-T. GRCh37 (hg19) VCF-style: chr19-50918133-G-T.
Other names: c.2450G>T, p.Arg817Leu (NM_001256849.1); c.2528G>T, p.Arg843Leu (NM_001308632.1); short protein forms R817L, R843L.
Identifiers: ClinVar variation 1791487 (VCV001791487.2), dbSNP rs142017093, ClinGen allele CA406984764.

ClinVar aggregate classification (germline): Uncertain significance (1 of 4 stars; one submission).

Conditions:
Hereditary cancer-predisposing syndrome. Also called: Hereditary Cancer Syndrome; Hereditary neoplastic syndrome; Tumor predisposition; Neoplastic Syndromes, Hereditary. Identifiers: Orphanet 140162, MedGen C0027672, MeSH D009386, MONDO:0015356.

gnomAD v4.1: 1 of 1,606,704 alleles (0.000062%); highest among the groups gnomAD compares: South Asian, 0.0011%; no homozygotes.

Submission:

Ambry Genetics
Classification: Uncertain significance for Hereditary cancer-predisposing syndrome. Last evaluated: 2021-11-16. Review status: criteria provided, single submitter. Criteria: Ambry Variant Classification Scheme 2023. Collection method: clinical testing. Allele origin: germline.
Comment: The p.R817L variant (also known as c.2450G>T), located in coding exon 19 of the POLD1 gene, results from a G to T substitution at nucleotide position 2450. The arginine at codon 817 is replaced by leucine, an amino acid with dissimilar properties. This amino acid position is conserved. In addition, this alteration is predicted to be tolerated by in silico analysis. Since supporting evidence is limited at this time, the clinical significance of this alteration remains unclear.